The following is an entry in ClinVar:

NM_001029883.3(PCARE):c.*543C>T

Gene: PCARE (photoreceptor cilium actin regulator; minus strand). Cytogenetic location: 2p23.2.
Variant type: single nucleotide variant.
Coding change: c.*543C>T on transcript NM_001029883.3 (MANE Select); 543 bases downstream of the stop codon, C replaced by T.
Molecular consequence: 3 prime UTR variant.
Genome position (GRCh38, 1-based): chr2:29,064,326, G>A on the plus strand (C>T on the coding strand, the complement: PCARE is on the minus strand). VCF-style: chr2-29064326-G-A. GRCh37 (hg19) VCF-style: chr2-29287192-G-A.
Identifiers: ClinVar variation 335625 (VCV000335625.6), dbSNP rs10495767, ClinGen allele CA10614956.

ClinVar aggregate classification (germline): Benign. Review status: criteria provided, multiple submitters, no conflicts (2 of 4 stars). 2 submissions from 2 submitters: Benign (2). Last evaluated 2018-01-13.

Conditions:
Retinitis pigmentosa (RP). Identifiers: Orphanet 791, MedGen C0035334, MeSH D012174, MONDO:0019200, OMIM 268000. Inheritance: Autosomal dominant, autosomal recessive and X linked inheritance.

Allele frequency attached by ClinVar (database versions not stated): 1000 Genomes Project 0.13059; 1000 Genomes Project 30x 0.13086; gnomAD exomes 0.15977; gnomAD 0.16260 and 0.16301; TOPMed 0.16412.
gnomAD v4.1: 27,508 of 168,284 alleles (16%); highest among the groups gnomAD compares: Middle Eastern, 30%; 2,739 homozygotes.

Submissions (2):

Illumina Laboratory Services, Illumina
Classification: Benign for Retinitis pigmentosa. Last evaluated: 2018-01-13. Review status: criteria provided, single submitter. Criteria: ICSL Variant Classification Criteria 13 December 2019. Collection method: clinical testing. Allele origin: germline.
Comment: This variant was observed in the ICSL laboratory as part of a predisposition screen in an ostensibly healthy population. It had not been previously curated by ICSL or reported in the Human Gene Mutation Database (HGMD: prior to June 1st, 2018), and was therefore a candidate for classification through an automated scoring system. Utilizing variant allele frequency, disease prevalence and penetrance estimates, and inheritance mode, an automated score was calculated to assess if this variant is too frequent to cause the disease. Based on the score and internal cut-off values, a variant classified as benign is not then subjected to further curation. The score for this variant resulted in a classification of benign for this disease.

Breakthrough Genomics
Classification: Benign. Review status: criteria provided, single submitter. Criteria: ACMG Guidelines, 2015. Collection method: not provided. Allele origin: germline. Inheritance: Unknown mechanism. Affected: yes.